The following is an entry in ClinVar:

ClinVar aggregate classification (germline): Likely pathogenic (1 of 4 stars; one submission).

Conditions:
Cockayne syndrome type 2 (CSB). Also called: COCKAYNE SYNDROME B; Cockayne Syndrome, Type II. Identifiers: Orphanet 191, Orphanet 90322, MedGen C0751038, MONDO:0019570, OMIM 133540.

Submission:

Myriad Genetics, Inc.
Classification: Likely pathogenic for Cockayne syndrome type 2. Last evaluated: 2022-03-03. Review status: criteria provided, single submitter. Criteria: Myriad Women's Health Autosomal Recessive and X-Linked Classification Criteria (2021). Collection method: clinical testing. Allele origin: unknown.
Comment: NM_000124.2(ERCC6):c.3768_3769delCAinsT(K1258Nfs*9) is expected to be pathogenic in the context of ERCC6-related disorders. This variant is predicted to lead to an abnormal or absent protein product due to the creation of a premature termination codon in ERCC6, a gene where loss-of-function variants are known to be pathogenic. Please note: this variant was assessed in the context of healthy population screening.

NM_000124.4(ERCC6):c.3768_3769delinsT (p.Lys1258fs)

Gene: ERCC6 (ERCC excision repair 6, chromatin remodeling factor; minus strand). Cytogenetic location: 10q11.23.
Variant type: Indel.
Coding change: c.3768_3769delinsT on transcript NM_000124.4 (MANE Select); coding-DNA positions 3768 to 3769, CA replaced by T.
Protein change: p.Lys1258fs; shifts the reading frame from lysine 1258.
Molecular consequence: frameshift variant.
Genome position (GRCh38, 1-based): chr10:49,470,191-49,470,192, TG replaced by A on the plus strand (CA replaced by T on the coding strand, the reverse complement: ERCC6 is on the minus strand). VCF-style: chr10-49470191-TG-A. GRCh37 (hg19) VCF-style: chr10-50678237-TG-A.
Other names: c.3768_3769delinsT, p.Lys1258fs (NM_001346440.2); short protein forms K1258fs.
Identifiers: ClinVar variation 1724951 (VCV001724951.2), dbSNP rs2495970325, ClinGen allele CA2580081531.